The following is an entry in ClinVar:

NM_002691.4(POLD1):c.62G>T (p.Gly21Val)

Gene: POLD1 (DNA polymerase delta 1, catalytic subunit; plus strand). Cytogenetic location: 19q13.33.
Variant type: single nucleotide variant.
Coding change: c.62G>T on transcript NM_002691.4 (MANE Select); coding-DNA position 62, G replaced by T.
Protein change: p.Gly21Val; replaces glycine 21 with valine.
Molecular consequence: missense variant. On other transcripts: non-coding transcript variant (1).
Genome position (GRCh38, 1-based): chr19:50,398,913, G>T. VCF-style: chr19-50398913-G-T. GRCh37 (hg19) VCF-style: chr19-50902170-G-T.
Other names: c.62G>T, p.Gly21Val (NM_001256849.1, NM_001308632.1); c.62G>T (NM_002691.2); short protein forms G21V.
Identifiers: ClinVar variation 537097 (VCV000537097.7), dbSNP rs771371900, ClinGen allele CA406970062.
Genomic context (GRCh38, chr19:50,398,913, plus strand): 5'-TGGATGGCAAGCGGCGGCCAGGCCCAGGGCCCGGGGTGCCCCCAAAGCGGGCCCGTGGGG[G>T]CCTCTGGGATGATGATGATGCACCTCGGCCATCCCAATTCGAGGAGGACCTGGCACTGAT-3'
Protein context (NP_002682.2, residues 11-31): PGVPPKRARG[Gly21Val]LWDDDDAPRP

ClinVar aggregate classification (germline): Uncertain significance. Review status: criteria provided, multiple submitters, no conflicts (2 of 4 stars). 2 submissions from 2 submitters: Uncertain significance (2). Last evaluated 2025-10-21.

Conditions:
POLD1-related polyposis and colorectal cancer syndrome (CRCS10). Also called: Colorectal cancer 10; COLORECTAL CANCER, SUSCEPTIBILITY TO, ON CHROMOSOME 19q; Colorectal cancer, susceptibility to, 10. Identifiers: Orphanet 220460, MedGen C2675481, MONDO:0012953, OMIM 612591.
Hereditary cancer-predisposing syndrome. Also called: Tumor predisposition; Neoplastic Syndromes, Hereditary; Hereditary Cancer Syndrome; Hereditary neoplastic syndrome. Identifiers: Orphanet 140162, MedGen C0027672, MeSH D009386, MONDO:0015356.

gnomAD v4.1: 2 of 1,598,846 alleles (0.00013%); highest among the groups gnomAD compares: Non-Finnish European, 0.00017%; no homozygotes.

Submissions (2):

Labcorp Genetics (formerly Invitae), Labcorp
Classification: Uncertain significance for POLD1-related polyposis and colorectal cancer syndrome. Last evaluated: 2025-10-21. Review status: criteria provided, single submitter. Criteria: Invitae Variant Classification Sherloc (09022015). Collection method: clinical testing. Allele origin: germline.
Comment: This sequence change replaces glycine, which is neutral and non-polar, with valine, which is neutral and non-polar, at codon 21 of the POLD1 protein (p.Gly21Val). This variant is not present in population databases (gnomAD no frequency). This variant has not been reported in the literature in individuals affected with POLD1-related conditions. ClinVar contains an entry for this variant (Variation ID: 537097). Experimental studies and prediction algorithms are not available or were not evaluated, and the functional significance of this variant is currently unknown. In summary, the available evidence is currently insufficient to determine the role of this variant in disease. Therefore, it has been classified as a Variant of Uncertain Significance.

Ambry Genetics
Classification: Uncertain significance for Hereditary cancer-predisposing syndrome. Last evaluated: 2023-04-07. Review status: criteria provided, single submitter. Criteria: Ambry Variant Classification Scheme 2023. Collection method: clinical testing. Allele origin: germline.
Comment: The p.G21V variant (also known as c.62G>T), located in coding exon 1 of the POLD1 gene, results from a G to T substitution at nucleotide position 62. The glycine at codon 21 is replaced by valine, an amino acid with dissimilar properties. This amino acid position is conserved. In addition, this alteration is predicted to be tolerated by in silico analysis. Since supporting evidence is limited at this time, the clinical significance of this alteration remains unclear.